The following is an entry in ClinVar:

ClinVar aggregate classification (germline): Conflicting classifications of pathogenicity. Review status: criteria provided, conflicting classifications (1 of 4 stars). 2 submissions from 2 submitters: Uncertain significance (1); Likely benign (1). Last evaluated 2023-09-28.

Conditions:
Long QT syndrome (LQTS). Identifiers: MedGen C0023976, MeSH D008133, MONDO:0002442. Disease mechanism: loss of function. Inheritance: Various modes of inheritance.
Cardiovascular phenotype. Identifiers: MedGen CN230736.

Allele frequency attached by ClinVar (database versions not stated): gnomAD 0.00004; ExAC 0.00008; 1000 Genomes Project 30x 0.00016; 1000 Genomes Project 0.00020.
gnomAD v4.1: 51 of 1,611,968 alleles (0.0032%); highest among the groups gnomAD compares: South Asian, 0.05%; no homozygotes.

Submissions (2):

Ambry Genetics
Classification: Likely benign for Cardiovascular phenotype. Last evaluated: 2023-09-28. Review status: criteria provided, single submitter. Criteria: Ambry Variant Classification Scheme 2023. Collection method: clinical testing. Allele origin: germline.

Labcorp Genetics (formerly Invitae), Labcorp
Classification: Uncertain significance for Long QT syndrome. Last evaluated: 2022-05-28. Review status: criteria provided, single submitter. Criteria: Invitae Variant Classification Sherloc (09022015). Collection method: clinical testing. Allele origin: germline.
Comment: This sequence change replaces threonine, which is neutral and polar, with isoleucine, which is neutral and non-polar, at codon 330 of the SNTA1 protein (p.Thr330Ile). This variant is present in population databases (rs546104057, gnomAD 0.04%). This variant has not been reported in the literature in individuals affected with SNTA1-related conditions. Algorithms developed to predict the effect of missense changes on protein structure and function (SIFT, PolyPhen-2, Align-GVGD) all suggest that this variant is likely to be tolerated. In summary, the available evidence is currently insufficient to determine the role of this variant in disease. Therefore, it has been classified as a Variant of Uncertain Significance.

NM_003098.3(SNTA1):c.989C>T (p.Thr330Ile)

Gene: SNTA1 (syntrophin alpha 1; minus strand). Cytogenetic location: 20q11.21.
Variant type: single nucleotide variant.
Coding change: c.989C>T on transcript NM_003098.3 (MANE Select); coding-DNA position 989, C replaced by T.
Protein change: p.Thr330Ile; replaces threonine 330 with isoleucine.
Molecular consequence: missense variant.
Genome position (GRCh38, 1-based): chr20:33,412,347, G>A on the plus strand (C>T on the coding strand, the complement: SNTA1 is on the minus strand). VCF-style: chr20-33412347-G-A. GRCh37 (hg19) VCF-style: chr20-32000153-G-A.
Other names: short protein forms T330I.
Identifiers: ClinVar variation 2144381 (VCV002144381.5), dbSNP rs546104057, ClinGen allele CA9817086.